The following is an entry in ClinVar:

ClinVar aggregate classification (germline): Uncertain significance. Review status: criteria provided, multiple submitters, no conflicts (2 of 4 stars). 2 submissions from 2 submitters: Uncertain significance (2). Last evaluated 2026-06-15.

Conditions:
TTN-related disorder. Also called: TTN-related condition; TTN-related disease; TTN-related disorders.

gnomAD v4.1: 8 of 1,613,548 alleles (0.0005%); highest among the groups gnomAD compares: African/African-American, 0.0093%; no homozygotes.

Submissions (2):

PreventionGenetics, part of Exact Sciences
Classification: Uncertain significance for TTN-related condition. Last evaluated: 2026-06-15. Review status: criteria provided, single submitter. Criteria: ACMG Guidelines, 2015. Collection method: clinical testing. Allele origin: germline.
Comment: The TTN c.16511A>T variant is predicted to result in the amino acid substitution p.Glu5504Val. To our knowledge, this variant has not been reported in the literature. This variant is reported in 0.0065% of alleles in individuals of African descent in gnomAD. At this time, the clinical significance of this variant is uncertain due to the absence of conclusive functional and genetic evidence.

Revvity Omics, Revvity
Classification: Uncertain significance. Last evaluated: 2023-10-26. Review status: criteria provided, single submitter. Criteria: ACMG Guidelines, 2015. Collection method: clinical testing. Allele origin: germline.

NM_001267550.2(TTN):c.16511A>T (p.Glu5504Val)

Gene: TTN (titin; minus strand). Cytogenetic location: 2q31.2.
Variant type: single nucleotide variant.
Coding change: c.16511A>T on transcript NM_001267550.2 (MANE Select); coding-DNA position 16511, A replaced by T.
Protein change: p.Glu5504Val; replaces glutamic acid 5504 with valine.
Molecular consequence: missense variant. On other transcripts: intron variant (3).
Genome position (GRCh38, 1-based): chr2:178,732,550, T>A on the plus strand (A>T on the coding strand, the complement: TTN is on the minus strand). VCF-style: chr2-178732550-T-A. GRCh37 (hg19) VCF-style: chr2-179597277-T-A.
Other names: c.15560A>T, p.Glu5187Val (NM_001256850.1); c.12779A>T, p.Glu4260Val (NM_133378.4); c.13282+5532A>T (NM_003319.4); c.13858+5532A>T (NM_133437.4); c.13657+5532A>T (NM_133432.3); short protein forms E4260V, E5187V, E5504V.
Identifiers: ClinVar variation 4080888 (VCV004080888.2).